The following is an entry in ClinVar:

NM_004870.4(MPDU1):c.613A>G (p.Ile205Val)

Gene: MPDU1 (mannose-P-dolichol utilization defect 1; plus strand). Cytogenetic location: 17p13.1.
Variant type: single nucleotide variant.
Coding change: c.613A>G on transcript NM_004870.4 (MANE Select); coding-DNA position 613, A replaced by G.
Protein change: p.Ile205Val; replaces isoleucine 205 with valine.
Molecular consequence: missense variant. On other transcripts: synonymous variant (1), non-coding transcript variant (1).
Genome position (GRCh38, 1-based): chr17:7,587,266, A>G. VCF-style: chr17-7587266-A-G. GRCh37 (hg19) VCF-style: chr17-7490584-A-G.
Other names: c.555A>G, p.Pro185= (NM_001330073.1); short protein forms I205V.
Identifiers: ClinVar variation 1034126 (VCV001034126.1), dbSNP rs1473747780, ClinGen allele CA397841761.

ClinVar aggregate classification (germline): Uncertain significance (1 of 4 stars; one submission).

Conditions:
MPDU1-congenital disorder of glycosylation. Also called: MPDU1-CDG; CONGENITAL DISORDER OF GLYCOSYLATION, TYPE If; CDG If. Identifiers: Orphanet 79323, MedGen C1836669, MONDO:0012211, OMIM 609180.

Allele frequency attached by ClinVar (database versions not stated): TOPMed below 0.00001; gnomAD 0.00001.
gnomAD v4.1: 11 of 1,613,836 alleles (0.00068%); highest among the groups gnomAD compares: East Asian, 0.0022%; no homozygotes.

Submission:

Baylor Genetics
Classification: Uncertain significance for MPDU1-congenital disorder of glycosylation. Last evaluated: 2018-07-11. Review status: criteria provided, single submitter. Criteria: ACMG Guidelines, 2015. Collection method: clinical testing. Allele origin: unknown. Affected: yes.
Comment: This variant was determined to be of uncertain significance according to ACMG Guidelines, 2015 [PMID:25741868].